The following is an entry in ClinVar:

ClinVar aggregate classification (germline): Uncertain significance (1 of 4 stars; one submission).

Submission:

Labcorp Genetics (formerly Invitae), Labcorp
Classification: Uncertain significance. Last evaluated: 2022-07-20. Review status: criteria provided, single submitter. Criteria: Invitae Variant Classification Sherloc (09022015). Collection method: clinical testing. Allele origin: germline.
Comment: In summary, the available evidence is currently insufficient to determine the role of this variant in disease. Therefore, it has been classified as a Variant of Uncertain Significance. Variants that disrupt the consensus splice site are a relatively common cause of aberrant splicing (PMID: 17576681, 9536098). Algorithms developed to predict the effect of sequence changes on RNA splicing suggest that this variant may disrupt the consensus splice site. Algorithms developed to predict the effect of missense changes on protein structure and function are either unavailable or do not agree on the potential impact of this missense change (SIFT: "Deleterious"; PolyPhen-2: "Benign"; Align-GVGD: "Class C0"). This variant has not been reported in the literature in individuals affected with C2-related conditions. This sequence change replaces alanine, which is neutral and non-polar, with threonine, which is neutral and polar, at codon 148 of the C2 protein (p.Ala148Thr). This variant also falls at the last nucleotide of exon 3, which is part of the consensus splice site for this exon. This variant is not present in population databases (gnomAD no frequency).

Literature cited by the submitters: PubMed 17576681; PubMed 9536098.

NM_000063.6(C2):c.442G>A (p.Ala148Thr)

Gene: C2 (complement C2; plus strand). Cytogenetic location: 6p21.33.
Variant type: single nucleotide variant.
Coding change: c.442G>A on transcript NM_000063.6 (MANE Select); coding-DNA position 442, G replaced by A.
Protein change: p.Ala148Thr; replaces alanine 148 with threonine.
Molecular consequence: missense variant. On other transcripts: genic upstream transcript variant (2), intron variant (1).
Genome position (GRCh38, 1-based): chr6:31,928,917, G>A. VCF-style: chr6-31928917-G-A. GRCh37 (hg19) VCF-style: chr6-31896694-G-A.
Other names: c.355G>A, p.Ala119Thr (NM_001282458.2); c.442G>A, p.Ala148Thr (NM_001282459.2); c.-63-4693G>A (NM_001282457.2); c.74-4693G>A (NM_001178063.3); c.46+1119G>A (NM_001145903.3); short protein forms A119T, A148T.
Identifiers: ClinVar variation 2018337 (VCV002018337.4), dbSNP rs2482460349, ClinGen allele CA363491877.
Genomic context (GRCh38, chr6:31,928,917, plus strand): 5'-GTGCGTCAGTGTCGCCCCAACGGCATGTGGGATGGAGAAACAGCTGTGTGTGATAATGGG[G>A]GTGAGTTCTCTGGCTGATGGGCTACACAGGGGGCTGGGGTCTCCTGGGGAACCCTGGGGC-3'
Protein context (NP_000054.2, residues 138-158): DGETAVCDNG[Ala148Thr]GHCPNPGISL